The following is an entry in ClinVar:

NM_020975.6(RET):c.3017A>G (p.Glu1006Gly)

Gene: RET (ret proto-oncogene; plus strand). Cytogenetic location: 10q11.21.
Variant type: single nucleotide variant.
Coding change: c.3017A>G on transcript NM_020975.6 (MANE Select); coding-DNA position 3017, A replaced by G.
Protein change: p.Glu1006Gly; replaces glutamic acid 1006 with glycine.
Molecular consequence: missense variant.
Genome position (GRCh38, 1-based): chr10:43,124,960, A>G. VCF-style: chr10-43124960-A-G. GRCh37 (hg19) VCF-style: chr10-43620408-A-G.
Other names: c.3017A>G, p.Glu1006Gly (NM_000323.2, NM_001406743.1, NM_001406744.1 and 4 more transcripts); c.2255A>G, p.Glu752Gly (NM_001355216.2); c.2888A>G, p.Glu963Gly (NM_001406761.1, NM_001406762.1, NM_001406764.1); c.2882A>G, p.Glu961Gly (NM_001406763.1, NM_001406765.1); c.2729A>G, p.Glu910Gly (NM_001406766.1, NM_001406767.1, NM_001406770.1); c.2753A>G, p.Glu918Gly (NM_001406768.1); c.2621A>G, p.Glu874Gly (NM_001406769.1, NM_001406772.1); c.2579A>G, p.Glu860Gly (NM_001406771.1, NM_001406773.1); and 10 more; short protein forms E1006G, E523G, E571G, E611G, E662G, E664G, E667G, E676G.
Identifiers: ClinVar variation 3069870 (VCV003069870.1), dbSNP rs2538627588, ClinGen allele CA376558200.

ClinVar aggregate classification (germline): Uncertain significance (1 of 4 stars; one submission).

Conditions:
Multiple endocrine neoplasia, type 2 (MEN2). Identifiers: Orphanet 653, MedGen C4048306, MONDO:0019003. Disease mechanism: gain of function.

Submission:

All of Us Research Program, National Institutes of Health
Classification: Uncertain significance for Multiple endocrine neoplasia, type 2. Last evaluated: 2023-03-04. Review status: criteria provided, single submitter. Criteria: ACMG Guidelines, 2015. Collection method: clinical testing. Allele origin: germline. Inheritance: Autosomal dominant inheritance. Observed: 1 variant allele, 1 heterozygote.
Comment: This study involves interpretation of variants in research participants for the purpose of population health screening. Participant phenotype was not available at the time of variant classification. Additional details can be found in publication PMID: 35346344, PMCID: PMC8962531